The following is an entry in ClinVar:

ClinVar aggregate classification (germline): Uncertain significance (1 of 4 stars; one submission).

Conditions:
Charcot-Marie-Tooth disease recessive intermediate C. Also called: CHARCOT-MARIE-TOOTH NEUROPATHY, RECESSIVE INTERMEDIATE C. Identifiers: Orphanet 369867, MedGen C3809309, MONDO:0014154, OMIM 615376.

Submission:

Neuberg Centre For Genomic Medicine, NCGM
Classification: Uncertain significance for Charcot-Marie-Tooth disease recessive intermediate C. Review status: criteria provided, single submitter. Criteria: ACMG Guidelines, 2015. Collection method: clinical testing. Allele origin: germline. Inheritance: Autosomal recessive inheritance. Affected: yes.
Comment: The missense c.352G>A (p.Val118Met) variant in PLEKHG5 gene has not been reported previously as a pathogenic variant nor as a benign variant, to our knowledge. The variant is novel (not in any individuals) in gnomAD Exomes and 1000 Genomes. The amino acid Val at position 118 is changed to a Met changing protein sequence and it might alter its composition and physico-chemical properties. For these reasons, this variant has been classified as Uncertain Significance.

NM_020631.6(PLEKHG5):c.352G>A (p.Val118Met)

Gene: PLEKHG5 (pleckstrin homology and RhoGEF domain containing G5; minus strand). Cytogenetic location: 1p36.31.
Variant type: single nucleotide variant.
Coding change: c.352G>A on transcript NM_020631.6 (MANE Select); coding-DNA position 352, G replaced by A.
Protein change: p.Val118Met; replaces valine 118 with methionine.
Molecular consequence: missense variant.
Genome position (GRCh38, 1-based): chr1:6,474,538, C>T on the plus strand (G>A on the coding strand, the complement: PLEKHG5 is on the minus strand). VCF-style: chr1-6474538-C-T. GRCh37 (hg19) VCF-style: chr1-6534598-C-T.
Other names: c.463G>A, p.Val155Met (NM_001042663.3, NM_001265592.2); c.352G>A, p.Val118Met (NM_001042664.2, NM_001042665.2, NM_001265594.3 and 1 more transcripts); c.559G>A, p.Val187Met (NM_001265593.2); short protein forms V118M, V155M, V187M.
Identifiers: ClinVar variation 2584991 (VCV002584991.1), dbSNP rs2523210890, ClinGen allele CA338139450.